The following is an entry in ClinVar:

ClinVar aggregate classification (germline): Pathogenic (1 of 4 stars; one submission).

Conditions:
Familial adenomatous polyposis 1 (FAP1). Also called: FAMILIAL ADENOMATOUS POLYPOSIS 1, ATTENUATED; POLYPOSIS, ADENOMATOUS INTESTINAL. Identifiers: MedGen C2713442, MONDO:0021056, OMIM 175100. Disease mechanism: loss of function.

Submission:

Labcorp Genetics (formerly Invitae), Labcorp
Classification: Pathogenic for Familial adenomatous polyposis 1. Last evaluated: 2021-11-08. Review status: criteria provided, single submitter. Criteria: Invitae Variant Classification Sherloc (09022015). Collection method: clinical testing. Allele origin: germline.
Comment: For these reasons, this variant has been classified as Pathogenic. This sequence change creates a premature translational stop signal (p.Thr872Asnfs*40) in the APC gene. While this is not anticipated to result in nonsense mediated decay, it is expected to disrupt the last 1972 amino acid(s) of the APC protein. This variant is not present in population databases (gnomAD no frequency). This variant has not been reported in the literature in individuals affected with APC-related conditions. This variant is expected to disrupt the EB1 and HDLG binding sites, which mediate interactions with the cytoskeleton (PMID: 15311282, 17293347). While functional studies have not been performed to directly test the effect on APC protein function, this suggests that disruption of the C-terminal portion of the protein is functionally important. A different truncation (p.Tyr2645Lysfs*14) that lies downstream of this variant has been determined to be pathogenic (PMID: 9824584, 1316610, 27081525, 8381579, 22135120, Invitae). This suggests that deletion of this region of the APC protein is causative of disease.

Literature cited by the submitters: PubMed 15311282; PubMed 17293347; PubMed 9824584; PubMed 1316610; PubMed 27081525; PubMed 8381579; PubMed 22135120.

NM_000038.6(APC):c.2612dup (p.Thr872fs)

Gene: APC (APC regulator of Wnt signaling pathway; plus strand). Cytogenetic location: 5q22.2.
Variant type: Duplication.
Coding change: c.2612dup on transcript NM_000038.6 (MANE Select); coding-DNA position 2612, one base duplicated (G; older notation c.2612dupG).
Protein change: p.Thr872fs; shifts the reading frame from threonine 872.
Molecular consequence: frameshift variant.
Genome position (GRCh38, 1-based): chr5:112,838,206, G duplicated; the last of 2 consecutive G bases (chr5:112,838,205-112,838,206); duplicating either gives the same sequence. VCF-style (leftmost placement, unchanged base first): chr5-112838204-A-AG. GRCh37 (hg19) VCF-style: chr5-112173901-A-AG.
Other names: c.2612dup, p.Thr872fs (NM_001127510.3, NM_001354895.2); c.2558dup, p.Thr854fs (NM_001127511.3); c.2666dup, p.Thr890fs (NM_001354896.2); c.2642dup, p.Thr882fs (NM_001354897.2); c.2537dup, p.Thr847fs (NM_001354898.2); c.2528dup, p.Thr844fs (NM_001354899.2); c.2489dup, p.Thr831fs (NM_001354900.2); c.2435dup, p.Thr813fs (NM_001354901.2); and 5 more; short protein forms T712fs, T831fs, T781fs, T882fs, T746fs, T813fs, T847fs, T854fs.
Identifiers: ClinVar variation 1388869 (VCV001388869.6), dbSNP rs1554084299, ClinGen allele CA2573138925.